The following is an entry in ClinVar:

ClinVar aggregate classification (germline): Benign. Review status: criteria provided, single submitter (1 of 4 stars). 3 submissions from 1 submitter: Benign (3). Last evaluated 2018-01-13.

Conditions:
Rabson-Mendenhall syndrome. Also called: MENDENHALL SYNDROME; Pineal Hyperplasia, Insulin-Resistant Diabetes Mellitus, and Somatic Abnormalities; Pineal hyperplasia AND diabetes mellitus syndrome. Identifiers: Orphanet 769, MedGen C0271695, MONDO:0009874, OMIM 262190.
Leprechaunism syndrome. Also called: Donohue syndrome; LEPRECHAUNISM. Identifiers: Orphanet 508, MedGen C0265344, MONDO:0009517, OMIM 246200.
Insulin-resistant diabetes mellitus AND acanthosis nigricans. Also called: Insulin-resistance syndrome type A; INSULIN RECEPTOR, DEFECT IN, WITH INSULIN-RESISTANT DIABETES MELLITUS AND ACANTHOSIS NIGRICANS; IRAN, TYPE A; type A insulin resistance; DIABETES MELLITUS, INSULIN-RESISTANT, WITH ACANTHOSIS NIGRICANS, TYPE A. Identifiers: Orphanet 2297, MedGen C0342278, MONDO:0012520, OMIM 610549.

Allele frequency attached by ClinVar (database versions not stated): gnomAD 0.00856 and 0.00928; 1000 Genomes Project 0.00998; 1000 Genomes Project 30x 0.00999; TOPMed 0.01031.

Submissions (3):

Illumina Laboratory Services, Illumina
Classification: Benign for Insulin-resistant diabetes mellitus AND acanthosis nigricans. Last evaluated: 2018-01-13. Review status: criteria provided, single submitter. Criteria: ICSL Variant Classification Criteria 13 December 2019. Collection method: clinical testing. Allele origin: germline.
Comment: This variant was observed in the ICSL laboratory as part of a predisposition screen in an ostensibly healthy population. It had not been previously curated by ICSL or reported in the Human Gene Mutation Database (HGMD: prior to June 1st, 2018), and was therefore a candidate for classification through an automated scoring system. Utilizing variant allele frequency, disease prevalence and penetrance estimates, and inheritance mode, an automated score was calculated to assess if this variant is too frequent to cause the disease. Based on the score and internal cut-off values, a variant classified as benign is not then subjected to further curation. The score for this variant resulted in a classification of benign for this disease.

Illumina Laboratory Services, Illumina
Classification: Benign for Rabson-Mendenhall syndrome. Last evaluated: 2018-01-13. Review status: criteria provided, single submitter. Criteria: ICSL Variant Classification Criteria 13 December 2019. Collection method: clinical testing. Allele origin: germline.
Comment: the same text as in the submission from Illumina Laboratory Services, Illumina above.

Illumina Laboratory Services, Illumina
Classification: Benign for Leprechaunism syndrome. Last evaluated: 2018-01-13. Review status: criteria provided, single submitter. Criteria: ICSL Variant Classification Criteria 13 December 2019. Collection method: clinical testing. Allele origin: germline.
Comment: the same text as in the submission from Illumina Laboratory Services, Illumina above.

NM_000208.4(INSR):c.*3463A>G

Gene: INSR (insulin receptor; minus strand). Cytogenetic location: 19p13.2.
Variant type: single nucleotide variant.
Coding change: c.*3463A>G on transcript NM_000208.4 (MANE Select); 3463 bases downstream of the stop codon, A replaced by G.
Molecular consequence: 3 prime UTR variant.
Genome position (GRCh38, 1-based): chr19:7,113,593, T>C on the plus strand (A>G on the coding strand, the complement: INSR is on the minus strand). VCF-style: chr19-7113593-T-C. GRCh37 (hg19) VCF-style: chr19-7113604-T-C.
Other names: c.*3463A>G (NM_001079817.3).
Identifiers: ClinVar variation 330366 (VCV000330366.5), dbSNP rs115358150, ClinGen allele CA10652291.